The following is an entry in ClinVar:

ClinVar aggregate classification (germline): Likely benign. Review status: criteria provided, multiple submitters, no conflicts (2 of 4 stars). 2 submissions from 2 submitters: Likely benign (2). Last evaluated 2025-02-07.

Conditions:
Hereditary cancer-predisposing syndrome. Also called: Hereditary Cancer Syndrome; Hereditary neoplastic syndrome; Neoplastic Syndromes, Hereditary; Tumor predisposition. Identifiers: Orphanet 140162, MedGen C0027672, MeSH D009386, MONDO:0015356.

Submissions (2):

Ambry Genetics
Classification: Likely benign for Hereditary cancer-predisposing syndrome. Last evaluated: 2025-02-07. Review status: criteria provided, single submitter. Criteria: Ambry Variant Classification Scheme 2023. Collection method: clinical testing. Allele origin: germline.

GeneDx
Classification: Likely benign. Last evaluated: 2016-09-28. Review status: criteria provided, single submitter. Criteria: GeneDx Variant Classification (06012015). Collection method: clinical testing. Allele origin: germline. Affected: yes.
Comment: This variant is considered likely benign or benign based on one or more of the following criteria: it is a conservative change, it occurs at a poorly conserved position in the protein, it is predicted to be benign by multiple in silico algorithms, and/or has population frequency not consistent with disease.

NM_002485.5(NBN):c.2187A>G (p.Val729=)

Gene: NBN (nibrin; minus strand). Cytogenetic location: 8q21.3.
Variant type: single nucleotide variant.
Coding change: c.2187A>G on transcript NM_002485.5 (MANE Select); coding-DNA position 2187, A replaced by G.
Protein change: p.Val729=; no amino-acid change (valine 729 retained).
Molecular consequence: synonymous variant.
Genome position (GRCh38, 1-based): chr8:89,937,073, T>C on the plus strand (A>G on the coding strand, the complement: NBN is on the minus strand). VCF-style: chr8-89937073-T-C. GRCh37 (hg19) VCF-style: chr8-90949301-T-C.
Other names: c.1941A>G, p.Val647= (NM_001024688.3).
Identifiers: ClinVar variation 389750 (VCV000389750.2), dbSNP rs1057523526, ClinGen allele CA16605264.